The following is an entry in ClinVar:

NM_001437.3(ESR2):c.475T>C (p.Tyr159His)

Gene: ESR2 (estrogen receptor 2; minus strand). Cytogenetic location: 14q23.2.
Variant type: single nucleotide variant.
Coding change: c.475T>C on transcript NM_001437.3 (MANE Select); coding-DNA position 475, T replaced by C.
Protein change: p.Tyr159His; replaces tyrosine 159 with histidine.
Molecular consequence: missense variant. On other transcripts: non-coding transcript variant (1).
Genome position (GRCh38, 1-based): chr14:64,280,041, A>G on the plus strand (T>C on the coding strand, the complement: ESR2 is on the minus strand). VCF-style: chr14-64280041-A-G. GRCh37 (hg19) VCF-style: chr14-64746759-A-G.
Other names: c.475T>C, p.Tyr159His (NM_001040275.1, NM_001214902.1, NM_001271876.1 and 3 more transcripts); short protein forms Y159H.
Identifiers: ClinVar variation 2002346 (VCV002002346.4), dbSNP rs2550427852, ClinGen allele CA390117484.

ClinVar aggregate classification (germline): Uncertain significance (1 of 4 stars; one submission).

Allele frequency attached by ClinVar (database versions not stated): gnomAD exomes below 0.00001.
gnomAD v4.1: 1 of 1,614,190 alleles (0.000062%); highest among the groups gnomAD compares: Non-Finnish European, 0.000085%; no homozygotes.

Submission:

Labcorp Genetics (formerly Invitae), Labcorp
Classification: Uncertain significance. Last evaluated: 2022-06-03. Review status: criteria provided, single submitter. Criteria: Invitae Variant Classification Sherloc (09022015). Collection method: clinical testing. Allele origin: germline.
Comment: This sequence change replaces tyrosine, which is neutral and polar, with histidine, which is basic and polar, at codon 159 of the ESR2 protein (p.Tyr159His). This variant is not present in population databases (gnomAD no frequency). This variant has not been reported in the literature in individuals affected with ESR2-related conditions. Algorithms developed to predict the effect of missense changes on protein structure and function are either unavailable or do not agree on the potential impact of this missense change (SIFT: "Deleterious"; PolyPhen-2: "Probably Damaging"; Align-GVGD: "Class C0"). In summary, the available evidence is currently insufficient to determine the role of this variant in disease. Therefore, it has been classified as a Variant of Uncertain Significance.